The following is an entry in ClinVar:

NM_002397.5(MEF2C):c.-209T>C

Gene: MEF2C (myocyte enhancer factor 2C; minus strand). Cytogenetic location: 5q14.3.
Variant type: single nucleotide variant.
Coding change: c.-209T>C on transcript NM_002397.5 (MANE Select); 209 bases upstream of the start codon, T replaced by C.
Molecular consequence: 5 prime UTR variant. On other transcripts: intron variant (7).
Genome position (GRCh38, 1-based): chr5:88,883,021, A>G on the plus strand (T>C on the coding strand, the complement: MEF2C is on the minus strand). VCF-style: chr5-88883021-A-G. GRCh37 (hg19) VCF-style: chr5-88178838-A-G.
Other names: c.-209T>C (NM_001193349.3, NM_001308002.3, NM_001364336.2 and 5 more transcripts); c.-206T>C (NM_001193350.2, NM_001364332.2, NM_001364333.2 and 8 more transcripts); c.-305T>C (NM_001364331.2); c.-140+4481T>C (NM_001364329.2, NM_001364334.2); c.-143+4481T>C (NM_001364330.2, NM_001131005.2, NM_001193347.1); c.-143+1468T>C (NM_001364345.2, NM_001364335.2).
Identifiers: ClinVar variation 2655582 (VCV002655582.24), dbSNP rs564254573, ClinGen allele CA10620992.

ClinVar aggregate classification (germline): Benign (1 of 4 stars; one submission).

Allele frequency attached by ClinVar (database versions not stated): gnomAD 0.00062 and 0.00065; TOPMed 0.00075 and 0.00093; 1000 Genomes Project 30x 0.00109; 1000 Genomes Project 0.00120.

Submission:

CeGaT Center for Human Genetics Tuebingen
Classification: Benign. Last evaluated: 2022-09-01. Review status: criteria provided, single submitter. Criteria: CeGaT Center For Human Genetics Tuebingen Variant Classification Criteria Version 2. Collection method: clinical testing. Allele origin: germline. Affected: yes. Observed: 2 variant alleles.
Comment: MEF2C: BS1, BS2